The following is an entry in ClinVar:

NM_001270508.2(TNFAIP3):c.295+102A>G

Gene: TNFAIP3 (TNF alpha induced protein 3; plus strand). Cytogenetic location: 6q23.3.
Variant type: single nucleotide variant.
Coding change: c.295+102A>G on transcript NM_001270508.2 (MANE Select); 102 bases into the intron after coding-DNA position 295, A replaced by G.
Molecular consequence: intron variant.
Genome position (GRCh38, 1-based): chr6:137,871,624, A>G. VCF-style: chr6-137871624-A-G. GRCh37 (hg19) VCF-style: chr6-138192761-A-G.
Other names: c.295+102A>G (NM_001270507.2, NM_006290.4).
Identifiers: ClinVar variation 1262636 (VCV001262636.4), dbSNP rs719150, ClinGen allele CA12448869.

ClinVar aggregate classification (germline): Benign. Review status: criteria provided, multiple submitters, no conflicts (2 of 4 stars). 2 submissions from 2 submitters: Benign (2). Last evaluated 2023-11-12.

Allele frequency attached by ClinVar (database versions not stated): gnomAD 0.19290 and 0.20024; 1000 Genomes Project 0.20567; TOPMed 0.21243; 1000 Genomes Project 30x 0.21690.
gnomAD v4.1: 138,908 of 1,321,254 alleles (11%); highest among the groups gnomAD compares: African/African-American, 47%; 12,542 homozygotes.

Submissions (2):

Unidad de Genómica Garrahan, Hospital de Pediatría Garrahan
Classification: Benign. Last evaluated: 2023-11-12. Review status: criteria provided, single submitter. Criteria: ACMG Guidelines, 2015. Collection method: clinical testing. Allele origin: germline. Affected: no. Observed: 25 variant alleles.
Comment: This variant is classified as Benign based on local population frequency. This variant was detected in 26% of patients studied by a panel of primary immunodeficiencies. Number of patients: 25. Only high quality variants are reported.

GeneDx
Classification: Benign. Last evaluated: 2021-05-16. Review status: criteria provided, single submitter. Criteria: GeneDx Variant Classification Process June 2021. Collection method: clinical testing. Allele origin: germline. Affected: yes.